The following is an entry in ClinVar:

ClinVar aggregate classification (germline): Likely benign (0 of 4 stars; one submission).

Conditions:
TEX15-related disorder. Also called: TEX15-related condition.

Allele frequency attached by ClinVar (database versions not stated): TOPMed below 0.00001; gnomAD 0.00001; gnomAD exomes 0.00002.
gnomAD v4.1: 25 of 1,612,720 alleles (0.0016%); highest among the groups gnomAD compares: Non-Finnish European, 0.002%; no homozygotes.

Submission:

PreventionGenetics, part of Exact Sciences
Classification: Likely benign for TEX15-related condition. Last evaluated: 2019-04-01. Review status: no assertion criteria provided. Collection method: clinical testing. Allele origin: germline.
Comment: This variant is classified as likely benign based on ACMG/AMP sequence variant interpretation guidelines (Richards et al. 2015 PMID: 25741868, with internal and published modifications).

NM_001350162.2(TEX15):c.6696A>G (p.Pro2232=)

Gene: TEX15 (testis expressed 15, meiosis and synapsis associated; minus strand). Cytogenetic location: 8p12.
Variant type: single nucleotide variant.
Coding change: c.6696A>G on transcript NM_001350162.2 (MANE Select); coding-DNA position 6696, A replaced by G.
Protein change: p.Pro2232=; no amino-acid change (proline 2232 retained).
Molecular consequence: synonymous variant.
Genome position (GRCh38, 1-based): chr8:30,843,471, T>C on the plus strand (A>G on the coding strand, the complement: TEX15 is on the minus strand). VCF-style: chr8-30843471-T-C. GRCh37 (hg19) VCF-style: chr8-30700987-T-C.
Other names: c.5547A>G, p.Pro1849= (NM_031271.3).
Identifiers: ClinVar variation 3047476 (VCV003047476.2), dbSNP rs1205986151, ClinGen allele CA460484542.